The following is an entry in ClinVar:

NM_001287491.2(TET3):c.3514G>A (p.Glu1172Lys)

Gene: TET3 (tet methylcytosine dioxygenase 3; plus strand). Cytogenetic location: 2p13.1.
Variant type: single nucleotide variant.
Coding change: c.3514G>A on transcript NM_001287491.2 (MANE Select); coding-DNA position 3514, G replaced by A.
Protein change: p.Glu1172Lys; replaces glutamic acid 1172 with lysine.
Molecular consequence: missense variant.
Genome position (GRCh38, 1-based): chr2:74,099,522, G>A. VCF-style: chr2-74099522-G-A. GRCh37 (hg19) VCF-style: chr2-74326649-G-A.
Other names: c.3235G>A, p.Glu1079Lys (NM_001366022.1); short protein forms E1079K, E1172K.
Identifiers: ClinVar variation 3355305 (VCV003355305.1).
Genomic context (GRCh38, chr2:74,099,522, plus strand): 5'-CTGCCCGAGCCTGCCAAGTCCTGCCGCCAGCGGCAGCTGGAAGCCAGAAAGGCAGCAGCC[G>A]AGAAGAAGAAGATTCAGAAGGAGAAGCTGAGCACTCCGGAGAAGATCAAGCAGGAGGCCC-3'
Protein context (NP_001274420.1, residues 1162-1182): RQLEARKAAA[Glu1172Lys]KKKIQKEKLS

ClinVar aggregate classification (germline): Uncertain significance (0 of 4 stars; one submission).

Conditions:
TET3-related disorder. Also called: TET3-related condition; TET3-Related Disease.

gnomAD v4.1: 12 of 1,612,538 alleles (0.00074%); highest among the groups gnomAD compares: East Asian, 0.0045%; no homozygotes.

Submission:

PreventionGenetics, part of Exact Sciences
Classification: Uncertain significance for TET3-related condition. Last evaluated: 2024-05-15. Review status: no assertion criteria provided. Collection method: clinical testing. Allele origin: germline.
Comment: The TET3 c.3514G>A variant is predicted to result in the amino acid substitution p.Glu1172Lys. To our knowledge, this variant has not been reported in the literature. This variant is reported in 0.00091% of alleles in individuals of European (Non-Finnish) descent in gnomAD. At this time, the clinical significance of this variant is uncertain due to the absence of conclusive functional and genetic evidence.